The following is an entry in ClinVar:

ClinVar aggregate classification (germline): Conflicting classifications of pathogenicity. Review status: criteria provided, conflicting classifications (1 of 4 stars). 3 submissions from 3 submitters: Likely pathogenic (1); Uncertain significance (1). 1 of the submissions does not count toward it. Last evaluated 2026-07-17.

Conditions:
CTNNB1-related disorder. Also called: CTNNB1-related condition.

Submissions (3):

GeneDx
Classification: Uncertain significance. Last evaluated: 2026-07-17. Review status: criteria provided, single submitter. Criteria: GeneDx Variant Classification Process June 2021. Collection method: clinical testing. Allele origin: germline.
Comment: Not observed at significant frequency in large population cohorts (gnomAD); In silico analysis, which includes protein predictors and evolutionary conservation, supports a deleterious effect; Has not been previously published as pathogenic or benign to our knowledge

Blueprint Genetics
Classification: Likely pathogenic for CTNNB1-related disorders. Last evaluated: 2018-08-10. Review status: criteria provided, single submitter. Criteria: ACMG Guidelines, 2015. Collection method: clinical testing. Allele origin: germline. Affected: yes. Observed: 3 variant alleles.

PreventionGenetics, part of Exact Sciences
Classification: Uncertain significance for CTNNB1-related condition. Last evaluated: 2024-03-14. Review status: no assertion criteria provided. Collection method: clinical testing. Allele origin: germline. Not counted in ClinVar's aggregate classification.
Comment: The CTNNB1 c.1982G>A variant is predicted to result in the amino acid substitution p.Arg661Gln. To our knowledge, this variant has not been reported in the literature or in a large population database, indicating this variant is rare. At this time, the clinical significance of this variant is uncertain due to the absence of conclusive functional and genetic evidence.

NM_001904.4(CTNNB1):c.1982G>A (p.Arg661Gln)

Gene: CTNNB1 (catenin beta 1; plus strand). Cytogenetic location: 3p22.1.
Variant type: single nucleotide variant.
Coding change: c.1982G>A on transcript NM_001904.4 (MANE Select); coding-DNA position 1982, G replaced by A.
Protein change: p.Arg661Gln; replaces arginine 661 with glutamine.
Molecular consequence: missense variant.
Genome position (GRCh38, 1-based): chr3:41,236,615, G>A. VCF-style: chr3-41236615-G-A. GRCh37 (hg19) VCF-style: chr3-41278106-G-A.
Other names: c.1982G>A, p.Arg661Gln (NM_001098209.2, NM_001098210.2); c.1961G>A, p.Arg654Gln (NM_001330729.2); short protein forms R654Q, R661Q.
Identifiers: ClinVar variation 1316364 (VCV001316364.6), dbSNP rs2125647004, ClinGen allele CA352236482.